The following is an entry in ClinVar:

ClinVar aggregate classification (germline): Uncertain significance (1 of 4 stars; one submission).

Submission:

Women's Health and Genetics/Laboratory Corporation of America, LabCorp
Classification: Uncertain significance. Last evaluated: 2024-05-22. Review status: criteria provided, single submitter. Criteria: LabCorp Variant Classification Summary - May 2015. Collection method: clinical testing. Allele origin: germline.
Comment: Variant summary: CSNK2A1 c.723+8_723+9delAT alters a nucleotide located close to a canonical splice site and therefore could affect mRNA splicing, leading to a significantly altered protein sequence. Consensus agreement among computation tools predict no significant impact on normal splicing. However, these predictions have yet to be confirmed by functional studies. The variant allele was found at a frequency of 4e-06 in 250432 control chromosomes. The available data on variant occurrences in the general population are insufficient to allow any conclusion about variant significance. To our knowledge, no occurrence of c.723+8_723+9delAT in individuals affected with Okur-Chung Neurodevelopmental Syndrome and no experimental evidence demonstrating its impact on protein function have been reported. No submitters have cited clinical-significance assessments for this variant to ClinVar. Based on the evidence outlined above, the variant was classified as uncertain significance.

NM_177559.3(CSNK2A1):c.723+4AT[2]

Gene: CSNK2A1 (casein kinase 2 alpha 1; minus strand). Cytogenetic location: 20p13.
Variant type: Microsatellite.
Coding change: c.723+4AT[2] on transcript NM_177559.3 (MANE Select); two copies in a row of the 2-base unit AT starting at c.723+4; the reference has three copies in a row; one copy, 2 bases deleted.
Molecular consequence: intron variant.
Genome position (GRCh38, 1-based): chr20:489,771-489,772, AT deleted on the plus strand (AT on the coding strand, the reverse complement: CSNK2A1 is on the minus strand); deleting any 2 consecutive bases within chr20:489,771-489,776 gives the same sequence; the position shown is the placement nearest the transcript's 3' end. VCF-style (leftmost placement, unchanged base first): chr20-489770-CAT-C. GRCh37 (hg19) VCF-style: chr20-470414-CAT-C.
Other names: c.315+4AT[2] (NM_177560.3); c.723+4AT[2] (NM_001362771.2, NM_001895.4, NM_001362770.2); c.723+8_723+9delAT (NM_001895.4).
Identifiers: ClinVar variation 3336439 (VCV003336439.1).